The following is an entry in ClinVar:

NM_018714.3(COG1):c.1070+3A>G

Genes: COG1 (component of oligomeric golgi complex 1; plus strand), LOC126862634 (CDK7 strongly-dependent group 2 enhancer GRCh37_chr17:71195948-71197147; plus strand). Cytogenetic location: 17q25.1.
Variant type: single nucleotide variant.
Coding change: c.1070+3A>G on transcript NM_018714.3 (MANE Select); 3 bases into the intron after coding-DNA position 1070, A replaced by G.
Molecular consequence: intron variant.
Genome position (GRCh38, 1-based): chr17:73,200,024, A>G. VCF-style: chr17-73200024-A-G. GRCh37 (hg19) VCF-style: chr17-71196163-A-G.
Identifiers: ClinVar variation 1400477 (VCV001400477.3), dbSNP rs201281586, ClinGen allele CA8740137.

ClinVar aggregate classification (germline): Uncertain significance (1 of 4 stars; one submission).

Conditions:
COG1 congenital disorder of glycosylation (CDG2G). Also called: CONGENITAL DISORDER OF GLYCOSYLATION, TYPE IIg; CDG IIg; CDGII/COG1 CEREBROCOSTOMANDIBULAR-LIKE SYNDROME. Identifiers: Orphanet 263508, MedGen C2931011, MONDO:0012637, OMIM 611209.

Allele frequency attached by ClinVar (database versions not stated): gnomAD 0.00001 and 0.00007; gnomAD exomes 0.00004 and 0.00012; TOPMed 0.00009; ExAC 0.00018; 1000 Genomes Project 30x 0.00031; 1000 Genomes Project 0.00040.
gnomAD v4.1: 73 of 1,609,682 alleles (0.0045%); highest among the groups gnomAD compares: East Asian, 0.14%; no homozygotes.

Submission:

Labcorp Genetics (formerly Invitae), Labcorp
Classification: Uncertain significance for COG1 congenital disorder of glycosylation. Last evaluated: 2022-10-05. Review status: criteria provided, single submitter. Criteria: Invitae Variant Classification Sherloc (09022015). Collection method: clinical testing. Allele origin: germline.
Comment: This sequence change falls in intron 5 of the COG1 gene. It does not directly change the encoded amino acid sequence of the COG1 protein. It affects a nucleotide within the consensus splice site. This variant is present in population databases (rs201281586, gnomAD 0.2%). This variant has not been reported in the literature in individuals affected with COG1-related conditions. ClinVar contains an entry for this variant (Variation ID: 1400477). Variants that disrupt the consensus splice site are a relatively common cause of aberrant splicing (PMID: 17576681, 9536098). Algorithms developed to predict the effect of sequence changes on RNA splicing suggest that this variant is not likely to affect RNA splicing. In summary, the available evidence is currently insufficient to determine the role of this variant in disease. Therefore, it has been classified as a Variant of Uncertain Significance.

Literature cited by the submitters: PubMed 17576681; PubMed 9536098.